The following is an entry in ClinVar:

ClinVar aggregate classification (germline): Uncertain significance. Review status: criteria provided, multiple submitters, no conflicts (2 of 4 stars). 2 submissions from 2 submitters: Uncertain significance (2). Last evaluated 2025-12-06.

Allele frequency attached by ClinVar (database versions not stated): TOPMed 0.00027; gnomAD 0.00036; gnomAD exomes 0.00052.

Submissions (2):

Labcorp Genetics (formerly Invitae), Labcorp
Classification: Uncertain significance. Last evaluated: 2025-12-06. Review status: criteria provided, single submitter. Criteria: Invitae Variant Classification Sherloc (09022015). Collection method: clinical testing. Allele origin: germline.
Comment: This sequence change replaces proline, which is neutral and non-polar, with leucine, which is neutral and non-polar, at codon 811 of the NLGN2 protein (p.Pro811Leu). The frequency data for this variant in the population databases is considered unreliable, as metrics indicate poor data quality at this position in the gnomAD database. This variant has not been reported in the literature in individuals affected with NLGN2-related conditions. ClinVar contains an entry for this variant (Variation ID: 1384468). An algorithm developed to predict the effect of missense changes on protein structure and function (PolyPhen-2) suggests that this variant is likely to be tolerated. In summary, the available evidence is currently insufficient to determine the role of this variant in disease. Therefore, it has been classified as a Variant of Uncertain Significance.

Ambry Genetics
Classification: Uncertain significance. Last evaluated: 2025-06-23. Review status: criteria provided, single submitter. Criteria: Ambry Variant Classification Scheme 2023. Collection method: clinical testing. Allele origin: germline.

NM_020795.4(NLGN2):c.2432C>T (p.Pro811Leu)

Gene: NLGN2 (neuroligin 2; plus strand). Cytogenetic location: 17p13.1.
Variant type: single nucleotide variant.
Coding change: c.2432C>T on transcript NM_020795.4 (MANE Select); coding-DNA position 2432, C replaced by T.
Protein change: p.Pro811Leu; replaces proline 811 with leucine.
Molecular consequence: missense variant.
Genome position (GRCh38, 1-based): chr17:7,417,723, C>T. VCF-style: chr17-7417723-C-T. GRCh37 (hg19) VCF-style: chr17-7321042-C-T.
Other names: c.2432C>T (NM_020795.2); short protein forms P811L.
Identifiers: ClinVar variation 1384468 (VCV001384468.8), dbSNP rs1401938970, ClinGen allele CA397836453.
Genomic context (GRCh38, chr17:7,417,723, plus strand): 5'-TGCCCAGTGGCCTGGGGCCACCGCCACCCCCACCGCCCCCCTCCCTTCATCCCTTCGGGC[C>T]CTTCCCCCCGCCCCCTCCCACCGCCACCAGCCACAACAACACGCTACCCCACCCCCACTC-3'
Protein context (NP_065846.1, residues 801-821): PPPPSLHPFG[Pro811Leu]FPPPPPTATS